The following is an entry in ClinVar:

NM_006767.4(LZTR1):c.2461A>G (p.Ile821Val)

Gene: LZTR1 (leucine zipper like post translational regulator 1; plus strand). Cytogenetic location: 22q11.21.
Variant type: single nucleotide variant.
Coding change: c.2461A>G on transcript NM_006767.4 (MANE Select); coding-DNA position 2461, A replaced by G.
Protein change: p.Ile821Val; replaces isoleucine 821 with valine.
Molecular consequence: missense variant.
Genome position (GRCh38, 1-based): chr22:20,997,286, A>G. VCF-style: chr22-20997286-A-G. GRCh37 (hg19) VCF-style: chr22-21351575-A-G.
Other names: short protein forms I821V.
Identifiers: ClinVar variation 1791637 (VCV001791637.6), dbSNP rs2518626760, ClinGen allele CA410781706.

ClinVar aggregate classification (germline): Uncertain significance. Review status: criteria provided, multiple submitters, no conflicts (2 of 4 stars). 2 submissions from 2 submitters: Uncertain significance (2). Last evaluated 2025-09-22.

Conditions:
Hereditary cancer-predisposing syndrome. Also called: Hereditary Cancer Syndrome; Hereditary neoplastic syndrome; Tumor predisposition; Neoplastic Syndromes, Hereditary. Identifiers: Orphanet 140162, MedGen C0027672, MeSH D009386, MONDO:0015356.
Cardiovascular phenotype. Identifiers: MedGen CN230736.

Submissions (2):

Ambry Genetics
Classification: Uncertain significance for Cardiovascular phenotype; Hereditary cancer-predisposing syndrome. Last evaluated: 2025-09-22. Review status: criteria provided, single submitter. Criteria: Ambry Variant Classification Scheme 2023. Collection method: clinical testing. Allele origin: germline.
Comment: The p.I821V variant (also known as c.2461A>G), located in coding exon 21 of the LZTR1 gene, results from an A to G substitution at nucleotide position 2461. The isoleucine at codon 821 is replaced by valine, an amino acid with highly similar properties. This amino acid position is conserved. In addition, this alteration is predicted to be tolerated by in silico analysis. Based on the available evidence, the clinical significance of this variant remains unclear.

Labcorp Genetics (formerly Invitae), Labcorp
Classification: Uncertain significance. Last evaluated: 2025-08-29. Review status: criteria provided, single submitter. Criteria: Invitae Variant Classification Sherloc (09022015). Collection method: clinical testing. Allele origin: germline.
Comment: This sequence change replaces isoleucine, which is neutral and non-polar, with valine, which is neutral and non-polar, at codon 821 of the LZTR1 protein (p.Ile821Val). This variant is not present in population databases (gnomAD no frequency). This variant has not been reported in the literature in individuals affected with LZTR1-related conditions. ClinVar contains an entry for this variant (Variation ID: 1791637). Invitae Evidence Modeling of protein sequence and biophysical properties (such as structural, functional, and spatial information, amino acid conservation, physicochemical variation, residue mobility, and thermodynamic stability) indicates that this missense variant is not expected to disrupt LZTR1 protein function with a negative predictive value of 80%. In summary, the available evidence is currently insufficient to determine the role of this variant in disease. Therefore, it has been classified as a Variant of Uncertain Significance.